The following is an entry in ClinVar:

ClinVar aggregate classification (germline): Uncertain significance. Review status: criteria provided, multiple submitters, no conflicts (2 of 4 stars). 2 submissions from 2 submitters: Uncertain significance (2). Last evaluated 2024-11-11.

Conditions:
Inborn genetic diseases. Identifiers: MedGen C0950123, MeSH D030342.
Hereditary spastic paraplegia 75. Also called: Spastic paraplegia 75, autosomal recessive. Identifiers: Orphanet 459056, MedGen C4225250, MONDO:0014729, OMIM 616680.

Allele frequency attached by ClinVar (database versions not stated): gnomAD exomes 0.00003 and 0.00006; ExAC 0.00006; ESP Exome Variant Server 0.00008; gnomAD 0.00012 and 0.00013; TOPMed 0.00013.

Submissions (2):

Ambry Genetics
Classification: Uncertain significance for Inborn genetic diseases. Last evaluated: 2024-11-11. Review status: criteria provided, single submitter. Criteria: Ambry Variant Classification Scheme 2023. Collection method: clinical testing. Allele origin: germline.

Labcorp Genetics (formerly Invitae), Labcorp
Classification: Uncertain significance for Hereditary spastic paraplegia 75. Last evaluated: 2022-08-23. Review status: criteria provided, single submitter. Criteria: Invitae Variant Classification Sherloc (09022015). Collection method: clinical testing. Allele origin: germline.
Comment: This sequence change replaces glutamic acid, which is acidic and polar, with lysine, which is basic and polar, at codon 374 of the MAG protein (p.Glu374Lys). This variant is present in population databases (rs201059845, gnomAD 0.02%). This variant has not been reported in the literature in individuals affected with MAG-related conditions. ClinVar contains an entry for this variant (Variation ID: 662100). Algorithms developed to predict the effect of missense changes on protein structure and function are either unavailable or do not agree on the potential impact of this missense change (SIFT: "Deleterious"; PolyPhen-2: "Benign"; Align-GVGD: "Class C0"). In summary, the available evidence is currently insufficient to determine the role of this variant in disease. Therefore, it has been classified as a Variant of Uncertain Significance.

NM_002361.4(MAG):c.1120G>A (p.Glu374Lys)

Gene: MAG (myelin associated glycoprotein; plus strand). Cytogenetic location: 19q13.12.
Variant type: single nucleotide variant.
Coding change: c.1120G>A on transcript NM_002361.4 (MANE Select); coding-DNA position 1120, G replaced by A.
Protein change: p.Glu374Lys; replaces glutamic acid 374 with lysine.
Molecular consequence: missense variant.
Genome position (GRCh38, 1-based): chr19:35,302,597, G>A. VCF-style: chr19-35302597-G-A. GRCh37 (hg19) VCF-style: chr19-35793500-G-A.
Other names: c.1045G>A, p.Glu349Lys (NM_001199216.2); c.1120G>A, p.Glu374Lys (NM_080600.3); short protein forms E349K, E374K.
Identifiers: ClinVar variation 662100 (VCV000662100.7), dbSNP rs201059845, ClinGen allele CA9376178.